The following is an entry in ClinVar:

NM_000206.3(IL2RG):c.37T>C (p.Phe13Leu)

Genes: IL2RG (interleukin 2 receptor subunit gamma; minus strand), LOC126863274 (MED14-independent group 3 enhancer GRCh37_chrX:70330888-70332087; plus strand). Cytogenetic location: Xq13.1.
Variant type: single nucleotide variant.
Coding change: c.37T>C on transcript NM_000206.3 (MANE Select); coding-DNA position 37, T replaced by C.
Protein change: p.Phe13Leu; replaces phenylalanine 13 with leucine.
Molecular consequence: missense variant.
Genome position (GRCh38, 1-based): chrX:71,111,503, A>G on the plus strand (T>C on the coding strand, the complement: IL2RG is on the minus strand). VCF-style: chrX-71111503-A-G. GRCh37 (hg19) VCF-style: chrX-70331353-A-G.
Other names: short protein forms F13L.
Identifiers: ClinVar variation 847142 (VCV000847142.12), dbSNP rs1015272346, ClinGen allele CA330970891.

ClinVar aggregate classification (germline): Conflicting classifications of pathogenicity. Review status: criteria provided, conflicting classifications (1 of 4 stars). 4 submissions from 4 submitters: Uncertain significance (3); Likely benign (1). Last evaluated 2025-12-22.

Conditions:
Inborn genetic diseases. Identifiers: MedGen C0950123, MeSH D030342.
IL2RG-related disorder. Also called: IL2RG-related condition.
X-linked severe combined immunodeficiency (SCIDX1). Also called: X-Linked Combined Immunodeficiency Diseases; IMMUNODEFICIENCY 4; SCID, X-LINKED; T-B+ severe combined immunodeficiency due to gamma chain deficiency; SEVERE COMBINED IMMUNODEFICIENCY, X-LINKED, T CELL-NEGATIVE, B CELL-POSITIVE, NK CELL-NEGATIVE. Identifiers: Orphanet 276, MedGen C6022468, MONDO:0010315, OMIM 300400. Disease mechanism: loss of function.

Allele frequency attached by ClinVar (database versions not stated): gnomAD exomes 0.00001; TOPMed 0.00001.

Submissions (4):

Labcorp Genetics (formerly Invitae), Labcorp
Classification: Likely benign for X-linked severe combined immunodeficiency. Last evaluated: 2025-12-22. Review status: criteria provided, single submitter. Criteria: Invitae Variant Classification Sherloc (09022015). Collection method: clinical testing. Allele origin: germline.

Blueprint Genetics
Classification: Uncertain significance. Last evaluated: 2024-03-11. Review status: criteria provided, single submitter. Criteria: ACMG Guidelines, 2015. Collection method: clinical testing. Allele origin: germline.

PreventionGenetics, part of Exact Sciences
Classification: Uncertain significance for IL2RG-related condition. Last evaluated: 2023-02-20. Review status: criteria provided, single submitter. Criteria: ACMG Guidelines, 2015. Collection method: clinical testing. Allele origin: germline.
Comment: The IL2RG c.37T>C variant is predicted to result in the amino acid substitution p.Phe13Leu. To our knowledge, this variant has not been reported in the literature. This variant is reported in a male (hemizygous individual) in gnomAD. At this time, the clinical significance of this variant is uncertain due to the absence of conclusive functional and genetic evidence.

Ambry Genetics
Classification: Uncertain significance for Inborn genetic diseases. Last evaluated: 2022-06-30. Review status: criteria provided, single submitter. Criteria: Ambry Variant Classification Scheme 2023. Collection method: clinical testing. Allele origin: germline.